The following is an entry in ClinVar:

NC_000003.11:g.(?_53155766)_(53156657_?)del

Gene: RFT1 (RFT1 glycolipid translocator homolog; minus strand). Cytogenetic location: 3p21.1.
Variant type: Deletion.
Identifiers: ClinVar variation 2427148 (VCV002427148.4).

ClinVar aggregate classification (germline): Uncertain significance (1 of 4 stars; one submission).

Conditions:
RFT1-congenital disorder of glycosylation (CDG1N). Also called: Congenital disorder of glycosylation type In; RFT1-CDG; CDG In. Identifiers: Orphanet 244310, MedGen C2677590, MONDO:0012783, OMIM 612015.

Submission:

Labcorp Genetics (formerly Invitae), Labcorp
Classification: Uncertain significance for RFT1-congenital disorder of glycosylation. Last evaluated: 2022-05-24. Review status: criteria provided, single submitter. Criteria: Invitae Variant Classification Sherloc (09022015). Collection method: clinical testing. Allele origin: germline.
Comment: In summary, the available evidence is currently insufficient to determine the role of this variant in disease. Therefore, it has been classified as a Variant of Uncertain Significance. This variant results in the deletion of exon 4 and part of exon 5 (c.267-78_507del) of the RFT1 gene. It is expected to disrupt RNA splicing. Variants that disrupt the donor or acceptor splice site typically lead to a loss of protein function (PMID: 16199547), however the current clinical and genetic evidence is not sufficient to establish whether loss-of-function variants in RFT1 cause disease. This variant has not been reported in the literature in individuals affected with RFT1-related conditions.

Literature cited by the submitters: PubMed 16199547.